The following is an entry in ClinVar:

NM_001447.3(FAT2):c.2662C>T (p.Arg888Trp)

Gene: FAT2 (FAT atypical cadherin 2; minus strand). Cytogenetic location: 5q33.1.
Variant type: single nucleotide variant.
Coding change: c.2662C>T on transcript NM_001447.3 (MANE Select); coding-DNA position 2662, C replaced by T.
Protein change: p.Arg888Trp; replaces arginine 888 with tryptophan.
Molecular consequence: missense variant.
Genome position (GRCh38, 1-based): chr5:151,566,270, G>A on the plus strand (C>T on the coding strand, the complement: FAT2 is on the minus strand). VCF-style: chr5-151566270-G-A. GRCh37 (hg19) VCF-style: chr5-150945831-G-A.
Other names: c.2662C>T (NM_001447.2); short protein forms R888W.
Identifiers: ClinVar variation 2173982 (VCV002173982.5), dbSNP rs776181007, ClinGen allele CA3522026.

ClinVar aggregate classification (germline): Uncertain significance. Review status: criteria provided, multiple submitters, no conflicts (2 of 4 stars). 2 submissions from 2 submitters: Uncertain significance (2). Last evaluated 2025-07-02.

Conditions:
FAT2-related disorder. Also called: FAT2-related condition.

Allele frequency attached by ClinVar (database versions not stated): gnomAD 0.00001; ExAC 0.00002.
gnomAD v4.1: 36 of 1,613,996 alleles (0.0022%); highest among the groups gnomAD compares: Middle Eastern, 0.016%; 1 homozygote.

Submissions (2):

PreventionGenetics, part of Exact Sciences
Classification: Uncertain significance for FAT2-related condition. Last evaluated: 2025-07-02. Review status: criteria provided, single submitter. Criteria: ACMG Guidelines, 2015. Collection method: clinical testing. Allele origin: germline.
Comment: The FAT2 c.2662C>T variant is predicted to result in the amino acid substitution p.Arg888Trp. To our knowledge, this variant has not been reported in the literature. This variant is reported in 0.0035% of alleles in individuals of European (Non-Finnish) descent in gnomAD. At this time, the clinical significance of this variant is uncertain due to the absence of conclusive functional and genetic evidence.

Labcorp Genetics (formerly Invitae), Labcorp
Classification: Uncertain significance. Last evaluated: 2022-10-17. Review status: criteria provided, single submitter. Criteria: Invitae Variant Classification Sherloc (09022015). Collection method: clinical testing. Allele origin: germline.
Comment: Algorithms developed to predict the effect of missense changes on protein structure and function are either unavailable or do not agree on the potential impact of this missense change (SIFT: "Deleterious"; PolyPhen-2: "Possibly Damaging"; Align-GVGD: "Class C0"). In summary, the available evidence is currently insufficient to determine the role of this variant in disease. Therefore, it has been classified as a Variant of Uncertain Significance. This variant has not been reported in the literature in individuals affected with FAT2-related conditions. This sequence change replaces arginine, which is basic and polar, with tryptophan, which is neutral and slightly polar, at codon 888 of the FAT2 protein (p.Arg888Trp). This variant is present in population databases (rs776181007, gnomAD 0.003%).